The following is an entry in ClinVar:

NM_000342.4(SLC4A1):c.604G>A (p.Glu202Lys)

Gene: SLC4A1 (solute carrier family 4 member 1 (Diego blood group); minus strand). Cytogenetic location: 17q21.31.
Variant type: single nucleotide variant.
Coding change: c.604G>A on transcript NM_000342.4 (MANE Select); coding-DNA position 604, G replaced by A.
Protein change: p.Glu202Lys; replaces glutamic acid 202 with lysine.
Molecular consequence: missense variant.
Genome position (GRCh38, 1-based): chr17:44,259,814, C>T on the plus strand (G>A on the coding strand, the complement: SLC4A1 is on the minus strand). VCF-style: chr17-44259814-C-T. GRCh37 (hg19) VCF-style: chr17-42337182-C-T.
Other names: p.Glu202Lys; short protein forms E202K.
Identifiers: ClinVar variation 1693706 (VCV001693706.6), dbSNP rs879205711, ClinGen allele CA290934628.

ClinVar aggregate classification (germline): Uncertain significance. Review status: criteria provided, multiple submitters, no conflicts (2 of 4 stars). 3 submissions from 3 submitters: Uncertain significance (3). Last evaluated 2025-03-05.

Conditions:
BLOOD GROUP--SWANN SYSTEM (SW). Also called: SWANN BLOOD GROUP. Identifiers: MedGen C1832169, OMIM 601550.
BLOOD GROUP, WALDNER (WD). Also called: WALDNER BLOOD GROUP ANTIGEN. Identifiers: MedGen C1862191, OMIM 112010.
Southeast Asian ovalocytosis. Also called: Elliptocytosis 4; HE, STOMATOCYTIC; Stomatocytic elliptocytosis, hereditary; Ovalocytosis, Malaysian-Melanesian-Filipino type. Identifiers: Orphanet 98868, MedGen C1862322, MONDO:0008165, OMIM 166900.
BLOOD GROUP--FROESE (FR). Also called: FROESE BLOOD GROUP ANTIGEN. Identifiers: MedGen C1832168, OMIM 601551.
BLOOD GROUP--WRIGHT ANTIGEN (WR). Identifiers: MedGen C1862190, OMIM 112050.
Autosomal dominant distal renal tubular acidosis (DRTA1). Also called: RENAL TUBULAR ACIDOSIS, DISTAL, 1; RTA, CLASSIC TYPE; RTA, DISTAL TYPE, AUTOSOMAL DOMINANT; RTA, GRADIENT TYPE; Renal Tubular Acidosis, Type I. Identifiers: Orphanet 93608, MedGen CN280572, MONDO:0008368, OMIM 179800.
Renal tubular acidosis, distal, 4, with hemolytic anemia. Also called: Renal Tubular Acidosis, Distal, with Hemolytic Anemia. Identifiers: Orphanet 93610, MedGen C5436235, MONDO:0012700, OMIM 611590.
Hereditary spherocytosis type 4. Also called: SLC4A1-Related Spherocytosis. Identifiers: Orphanet 822, MedGen C2675212, MONDO:0012981, OMIM 612653.
Malaria, susceptibility to. Identifiers: Orphanet 673, MedGen C1970028, MONDO:0021024, OMIM 611162.
BLOOD GROUP--DIEGO SYSTEM (DI). Identifiers: MedGen C1292286, OMIM 110500.
Cryohydrocytosis. Also called: Hereditary cryohydrocytosis with normal stomatin; STOMATOCYTOSIS, COLD-SENSITIVE; CRYOHYDROCYTOSIS DUE TO BAND 3 HEMEL; CRYOHYDROCYTOSIS DUE TO BAND 3 HURSTPIERPOINT; CRYOHYDROCYTOSIS DUE TO BAND 3 BLACKBURN. Identifiers: Orphanet 398088, MedGen C1861453, MONDO:0008494, OMIM 185020.

Allele frequency attached by ClinVar (database versions not stated): gnomAD 0.00001; TOPMed 0.00001.

Submissions (3):

ARUP Laboratories, Molecular Genetics and Genomics, ARUP Laboratories
Classification: Uncertain significance. Last evaluated: 2025-03-05. Review status: criteria provided, single submitter. Criteria: ARUP Molecular Germline Variant Investigation Process 2024. Collection method: clinical testing. Allele origin: germline.
Comment: The SLC4A1 c.604G>A; p.Glu202Lys variant (rs879205711), to our knowledge, is not reported in the medical literature but is reported in ClinVar (Variation ID: 1693706). This variant is only observed on one allele in the Genome Aggregation Database (v2.1.1), indicating it is not a common polymorphism. Computational analyses predict that this variant is neutral (REVEL: 0.081). Due to limited information, the clinical significance of this variant is uncertain at this time.

Fulgent Genetics
Classification: Uncertain significance for BLOOD GROUP--DIEGO SYSTEM; BLOOD GROUP, WALDNER; BLOOD GROUP--WRIGHT ANTIGEN; Southeast Asian ovalocytosis; Autosomal dominant distal renal tubular acidosis; Cryohydrocytosis; BLOOD GROUP--SWANN SYSTEM; BLOOD GROUP--FROESE; Malaria, susceptibility to; Renal tubular acidosis, distal, 4, with hemolytic anemia; Hereditary spherocytosis type 4. Last evaluated: 2023-12-24. Review status: criteria provided, single submitter. Criteria: ACMG Guidelines, 2015. Collection method: clinical testing. Allele origin: germline.

Mayo Clinic Laboratories, Mayo Clinic
Classification: Uncertain significance. Last evaluated: 2021-05-17. Review status: criteria provided, single submitter. Criteria: ACMG Guidelines, 2015. Collection method: clinical testing. Allele origin: germline.